The following is an entry in ClinVar:

NM_002227.4(JAK1):c.904T>C (p.Phe302Leu)

Gene: JAK1 (Janus kinase 1; minus strand). Cytogenetic location: 1p31.3.
Variant type: single nucleotide variant.
Coding change: c.904T>C on transcript NM_002227.4 (MANE Select); coding-DNA position 904, T replaced by C.
Protein change: p.Phe302Leu; replaces phenylalanine 302 with leucine.
Molecular consequence: missense variant.
Genome position (GRCh38, 1-based): chr1:64,866,952, A>G on the plus strand (T>C on the coding strand, the complement: JAK1 is on the minus strand). VCF-style: chr1-64866952-A-G. GRCh37 (hg19) VCF-style: chr1-65332635-A-G.
Other names: c.904T>C, p.Phe302Leu (NM_001320923.2, NM_001321852.2, NM_001321853.2 and 4 more transcripts); short protein forms F302L.
Identifiers: ClinVar variation 4984628 (VCV004984628.1).

ClinVar aggregate classification (germline): Uncertain significance (1 of 4 stars; one submission).

Conditions:
JAK1-related disorder. Also called: JAK1-related condition.

gnomAD v4.1: 3 of 1,614,112 alleles (0.00019%); highest among the groups gnomAD compares: African/African-American, 0.004%; no homozygotes.

Submission:

PreventionGenetics, part of Exact Sciences
Classification: Uncertain significance for JAK1-related condition. Last evaluated: 2025-09-11. Review status: criteria provided, single submitter. Criteria: ACMG Guidelines, 2015. Collection method: clinical testing. Allele origin: germline.
Comment: The JAK1 c.904T>C variant is predicted to result in the amino acid substitution p.Phe302Leu. To our knowledge, this variant has not been reported in the literature or in a large population database (gnomAD), indicating this variant is rare. At this time, the clinical significance of this variant is uncertain due to the absence of conclusive functional and genetic evidence.